The following is an entry in ClinVar:

NM_030632.3(ASXL3):c.5153del (p.Glu1718fs)

Gene: ASXL3 (ASXL transcriptional regulator 3; plus strand). Cytogenetic location: 18q12.1.
Variant type: Deletion.
Coding change: c.5153del on transcript NM_030632.3 (MANE Select); coding-DNA position 5153, one base deleted (A; older notation c.5153delA).
Protein change: p.Glu1718fs; shifts the reading frame from glutamic acid 1718.
Molecular consequence: frameshift variant.
Genome position (GRCh38, 1-based): chr18:33,745,001, A deleted. VCF-style (leftmost placement, unchanged base first): chr18-33745000-GA-G. GRCh37 (hg19) VCF-style: chr18-31324964-GA-G.
Other names: short protein forms E1718fs.
Identifiers: ClinVar variation 1072421 (VCV001072421.9), dbSNP rs2145431059, ClinGen allele CA2499225138.

ClinVar aggregate classification (germline): Pathogenic (1 of 4 stars; one submission).

Submission:

Labcorp Genetics (formerly Invitae), Labcorp
Classification: Pathogenic. Last evaluated: 2020-04-26. Review status: criteria provided, single submitter. Criteria: Invitae Variant Classification Sherloc (09022015). Collection method: clinical testing. Allele origin: germline.
Comment: This variant has been observed in individual(s) with clinical features of Bainbridge-Ropers Syndrome (Invitae). In at least one individual the variant was observed to be de novo. For these reasons, this variant has been classified as Pathogenic. This variant is not present in population databases (ExAC no frequency). This sequence change results in a premature translational stop signal in the ASXL3 gene (p.Glu1718Glyfs*10). While this is not anticipated to result in nonsense mediated decay, it is expected to disrupt the last 531 amino acids of the ASXL3 protein.